The following is an entry in ClinVar:

ClinVar aggregate classification (germline): Pathogenic (1 of 4 stars; one submission).

Submission:

GeneDx
Classification: Pathogenic. Last evaluated: 2025-04-25. Review status: criteria provided, single submitter. Criteria: GeneDx Variant Classification Process June 2021. Collection method: clinical testing. Allele origin: germline. Affected: yes.
Comment: Not observed at significant frequency in large population cohorts (gnomAD); In silico analysis supports that this missense variant has a deleterious effect on protein structure/function; This variant is associated with the following publications: (PMID: 34146839, 23364391)

NM_002055.5(GFAP):c.1120G>C (p.Glu374Gln)

Genes: GFAP (glial fibrillary acidic protein; minus strand), LOC130060994 (ATAC-STARR-seq lymphoblastoid active region 12266; plus strand). Cytogenetic location: 17q21.31.
Variant type: single nucleotide variant.
Coding change: c.1120G>C on transcript NM_002055.5 (MANE Select); coding-DNA position 1120, G replaced by C.
Protein change: p.Glu374Gln; replaces glutamic acid 374 with glutamine.
Molecular consequence: missense variant.
Genome position (GRCh38, 1-based): chr17:44,911,243, C>G on the plus strand (G>C on the coding strand, the complement: GFAP is on the minus strand). VCF-style: chr17-44911243-C-G. GRCh37 (hg19) VCF-style: chr17-42988611-C-G.
Other names: c.1120G>C, p.Glu374Gln (NM_001131019.3, NM_001242376.3, NM_001363846.2); short protein forms E374Q.
Identifiers: ClinVar variation 4528244 (VCV004528244.1).